The following is an entry in ClinVar:

NM_130839.5(UBE3A):c.2104A>G (p.Ile702Val)

Genes: SNHG14 (small nucleolar RNA host gene 14; plus strand), UBE3A (ubiquitin protein ligase E3A; minus strand). Cytogenetic location: 15q11.2.
Variant type: single nucleotide variant.
Coding change: c.2104A>G on transcript NM_130839.5 (MANE Select); coding-DNA position 2104, A replaced by G.
Protein change: p.Ile702Val; replaces isoleucine 702 with valine.
Molecular consequence: missense variant. On other transcripts: non-coding transcript variant (1), intron variant (1).
Genome position (GRCh38, 1-based): chr15:25,355,912, T>C on the plus strand (A>G on the coding strand, the complement: UBE3A is on the minus strand). VCF-style: chr15-25355912-T-C. GRCh37 (hg19) VCF-style: chr15-25601059-T-C.
Other names: c.2113A>G, p.Ile705Val (NM_000462.5); c.2104A>G, p.Ile702Val (NM_001354505.1, NM_001354538.2, NM_001354545.2); c.2044A>G, p.Ile682Val (NM_001354506.2, NM_001354507.2, NM_001354508.2 and 16 more transcripts); c.1927A>G, p.Ile643Val (NM_001354546.2); c.853A>G, p.Ile285Val (NM_001354550.2); c.793A>G, p.Ile265Val (NM_001354551.2); c.1899+779A>G (NM_001354549.2); short protein forms I705V, I643V, I702V, I285V, I682V, I265V.
Identifiers: ClinVar variation 1416532 (VCV001416532.28), dbSNP rs751477028, ClinGen allele CA7435441.

ClinVar aggregate classification (germline): Uncertain significance. Review status: criteria provided, multiple submitters, no conflicts (2 of 4 stars). 2 submissions from 2 submitters: Uncertain significance (2). Last evaluated 2025-04-28.

Conditions:
Angelman syndrome (AS). Also called: HAPPY PUPPET SYNDROME. Identifiers: Orphanet 72, MedGen C0162635, MONDO:0007113, OMIM 105830. Disease mechanism: loss of function. Inheritance: AS is caused by disruption of maternally imprinted UBE3A located within the 15q11.2-q13 Angelman syndrome/Prader-Willi syndrome (AS/PWS) region., imprinting disorder.

Allele frequency attached by ClinVar (database versions not stated): gnomAD exomes below 0.00001; ExAC 0.00001; gnomAD 0.00001; TOPMed 0.00001.
gnomAD v4.1: 6 of 1,613,192 alleles (0.00037%); highest among the groups gnomAD compares: Non-Finnish European, 0.00051%; no homozygotes.

Submissions (2):

Labcorp Genetics (formerly Invitae), Labcorp
Classification: Uncertain significance for Angelman syndrome. Last evaluated: 2025-04-28. Review status: criteria provided, single submitter. Criteria: Invitae Variant Classification Sherloc (09022015). Collection method: clinical testing. Allele origin: germline.
Comment: This sequence change replaces isoleucine, which is neutral and non-polar, with valine, which is neutral and non-polar, at codon 682 of the UBE3A protein (p.Ile682Val). This variant is present in population databases (rs751477028, gnomAD 0.007%). This variant has not been reported in the literature in individuals affected with UBE3A-related conditions. ClinVar contains an entry for this variant (Variation ID: 1416532). Invitae Evidence Modeling of protein sequence and biophysical properties (such as structural, functional, and spatial information, amino acid conservation, physicochemical variation, residue mobility, and thermodynamic stability) indicates that this missense variant is not expected to disrupt UBE3A protein function with a negative predictive value of 80%. In summary, the available evidence is currently insufficient to determine the role of this variant in disease. Therefore, it has been classified as a Variant of Uncertain Significance.

CeGaT Center for Human Genetics Tuebingen
Classification: Uncertain significance. Last evaluated: 2024-02-01. Review status: criteria provided, single submitter. Criteria: CeGaT Center For Human Genetics Tuebingen Variant Classification Criteria Version 2. Collection method: clinical testing. Allele origin: germline. Affected: yes. Observed: 1 variant allele.
Comment: UBE3A: PM2:Supporting, BP4